The following is an entry in ClinVar:

NM_015072.5(TTLL5):c.77A>G (p.Asp26Gly)

Gene: TTLL5 (tubulin tyrosine ligase like 5; plus strand). Cytogenetic location: 14q24.3.
Variant type: single nucleotide variant.
Coding change: c.77A>G on transcript NM_015072.5 (MANE Select); coding-DNA position 77, A replaced by G.
Protein change: p.Asp26Gly; replaces aspartic acid 26 with glycine.
Molecular consequence: missense variant.
Genome position (GRCh38, 1-based): chr14:75,669,418, A>G. VCF-style: chr14-75669418-A-G. GRCh37 (hg19) VCF-style: chr14-76135761-A-G.
Other names: short protein forms D26G.
Identifiers: ClinVar variation 2075053 (VCV002075053.4), dbSNP rs1367413347, ClinGen allele CA390465469.
Genomic context (GRCh38, chr14:75,669,418, plus strand): 5'-TCAGCAGTTAGTTCAGGTTTTGAGCTGTAAATTAATGAAGGCTTTTTTGTCGTTATAGGG[A>G]TCATCCATGCATCATGTGGACTGGAGGCTGCAGGAGAATTCCAGTTTTGGTATTCCATGC-3'
Protein context (NP_055887.3, residues 16-36): SEDEEVISQE[Asp26Gly]HPCIMWTGGC

ClinVar aggregate classification (germline): Uncertain significance (1 of 4 stars; one submission).

Allele frequency attached by ClinVar (database versions not stated): gnomAD exomes below 0.00001; TOPMed 0.00002; gnomAD 0.00001.
gnomAD v4.1: 6 of 1,612,788 alleles (0.00037%); highest among the groups gnomAD compares: African/African-American, 0.0053%; no homozygotes.

Submission:

Labcorp Genetics (formerly Invitae), Labcorp
Classification: Uncertain significance. Last evaluated: 2022-03-27. Review status: criteria provided, single submitter. Criteria: Invitae Variant Classification Sherloc (09022015). Collection method: clinical testing. Allele origin: germline.
Comment: In summary, the available evidence is currently insufficient to determine the role of this variant in disease. Therefore, it has been classified as a Variant of Uncertain Significance. Algorithms developed to predict the effect of missense changes on protein structure and function are either unavailable or do not agree on the potential impact of this missense change (SIFT: "Deleterious"; PolyPhen-2: "Benign"; Align-GVGD: "Class C0"). This variant has not been reported in the literature in individuals affected with TTLL5-related conditions. This variant is not present in population databases (gnomAD no frequency). This sequence change replaces aspartic acid, which is acidic and polar, with glycine, which is neutral and non-polar, at codon 26 of the TTLL5 protein (p.Asp26Gly).